The following is an entry in ClinVar:

ClinVar aggregate classification (germline): Pathogenic (1 of 4 stars; one submission).

Conditions:
Familial hemophagocytic lymphohistiocytosis 3 (FHL3). Also called: UNC13D-Related Familial Hemophagocytic Lymphohistiocytosis (UNC13D-fHLH). Identifiers: Orphanet 540, MedGen C1837174, MONDO:0012146, OMIM 608898.

Allele frequency attached by ClinVar (database versions not stated): TOPMed below 0.00001; gnomAD 0.00001; gnomAD exomes below 0.00001.

Submission:

Labcorp Genetics (formerly Invitae), Labcorp
Classification: Pathogenic for Familial hemophagocytic lymphohistiocytosis 3. Last evaluated: 2025-07-28. Review status: criteria provided, single submitter. Criteria: Invitae Variant Classification Sherloc (09022015). Collection method: clinical testing. Allele origin: germline.
Comment: This sequence change creates a premature translational stop signal (p.Gly149Alafs*13) in the UNC13D gene. It is expected to result in an absent or disrupted protein product. Loss-of-function variants in UNC13D are known to be pathogenic (PMID: 14622600). This variant is not present in population databases (gnomAD no frequency). This premature translational stop signal has been observed in individual(s) with hemophagocytic lymphohistiocytosis (PMID: 16825436). ClinVar contains an entry for this variant (Variation ID: 2138109). For these reasons, this variant has been classified as Pathogenic.

Literature cited by the submitters: PubMed 14622600; PubMed 16825436.

NM_199242.3(UNC13D):c.441del (p.Gly149fs)

Gene: UNC13D (unc-13 homolog D; minus strand). Cytogenetic location: 17q25.1.
Variant type: Deletion.
Coding change: c.441del on transcript NM_199242.3 (MANE Select); coding-DNA position 441, one base deleted (A; older notation c.441delA).
Protein change: p.Gly149fs; shifts the reading frame from glycine 149.
Molecular consequence: frameshift variant.
Genome position (GRCh38, 1-based): chr17:75,842,561, T deleted on the plus strand (A on the coding strand, the reverse complement: UNC13D is on the minus strand). VCF-style (leftmost placement, unchanged base first): chr17-75842560-CT-C. GRCh37 (hg19) VCF-style: chr17-73838641-CT-C.
Other names: c.441delA, p.Gly149Alafs (NM_199242.2); short protein forms G149fs.
Identifiers: ClinVar variation 2138109 (VCV002138109.5), dbSNP rs2064956872, ClinGen allele CA502050608.